The following is an entry in ClinVar:

ClinVar aggregate classification (germline): Benign (0 of 4 stars; one submission).

Conditions:
PDZD2-related disorder. Also called: PDZD2-related condition.

Allele frequency attached by ClinVar (database versions not stated): ESP Exome Variant Server 0.07750; gnomAD 0.08134; TOPMed 0.08668; gnomAD exomes 0.09035; ExAC 0.09240; 1000 Genomes Project 0.11601; 1000 Genomes Project 30x 0.11758.
gnomAD v4.1: 144,781 of 1,613,976 alleles (9%); highest among the groups gnomAD compares: East Asian, 23%; 7,173 homozygotes.

Submission:

PreventionGenetics, part of Exact Sciences
Classification: Benign for PDZD2-related condition. Last evaluated: 2019-02-26. Review status: no assertion criteria provided. Collection method: clinical testing. Allele origin: germline.
Comment: This variant is classified as benign based on ACMG/AMP sequence variant interpretation guidelines (Richards et al. 2015 PMID: 25741868, with internal and published modifications).

NM_178140.4(PDZD2):c.6740G>A (p.Arg2247Gln)

Gene: PDZD2 (PDZ domain containing 2; plus strand). Cytogenetic location: 5p13.3.
Variant type: single nucleotide variant.
Coding change: c.6740G>A on transcript NM_178140.4 (MANE Select); coding-DNA position 6740, G replaced by A.
Protein change: p.Arg2247Gln; replaces arginine 2247 with glutamine.
Molecular consequence: missense variant.
Genome position (GRCh38, 1-based): chr5:32,090,188, G>A. VCF-style: chr5-32090188-G-A. GRCh37 (hg19) VCF-style: chr5-32090294-G-A.
Other names: short protein forms R2247Q.
Identifiers: ClinVar variation 3058926 (VCV003058926.2), dbSNP rs10066063, ClinGen allele CA3220191.